The following is an entry in ClinVar:

NC_000017.10:g.(?_56780551)_(56787357_?)del

Gene: RAD51C (RAD51 paralog C; plus strand). Cytogenetic location: 17q22.
Variant type: Deletion.
Identifiers: ClinVar variation 1074936 (VCV001074936.1).

ClinVar aggregate classification (germline): Pathogenic (1 of 4 stars; one submission).

Conditions:
Fanconi anemia complementation group O. Also called: RAD51C-Related Fanconi Anemia. Identifiers: Orphanet 84, MedGen C3150653, MONDO:0013248, OMIM 613390.

Submission:

Labcorp Genetics (formerly Invitae), Labcorp
Classification: Pathogenic for Fanconi anemia complementation group O. Last evaluated: 2018-04-19. Review status: criteria provided, single submitter. Criteria: Invitae Variant Classification Sherloc (09022015). Collection method: clinical testing. Allele origin: germline.
Comment: This variant is an out-of-frame deletion of the genomic region encompassing exons 4-5 of the RAD51C gene. This is expected to create a premature translational stop signal and result in an absent or disrupted protein product. This variant has not been reported in the literature in individuals with RAD51C-related disease. Loss-of-function variants in RAD51C are known to be pathogenic (PMID: 20400964, 21990120, 24800917). For these reasons, this variant has been classified as Pathogenic.

Literature cited by the submitters: PubMed 20400964; PubMed 21990120; PubMed 24800917.